The following is an entry in ClinVar:

ClinVar aggregate classification (germline): Uncertain significance. Review status: criteria provided, multiple submitters, no conflicts (2 of 4 stars). 4 submissions from 4 submitters: Uncertain significance (4). Last evaluated 2024-09-17.

Conditions:
Hereditary cancer-predisposing syndrome. Also called: Neoplastic Syndromes, Hereditary; Hereditary Cancer Syndrome; Tumor predisposition; Hereditary neoplastic syndrome. Identifiers: Orphanet 140162, MedGen C0027672, MeSH D009386, MONDO:0015356.
Nijmegen breakage syndrome-like disorder (NBSLD). Also called: MICROCEPHALY AND SPONTANEOUS CHROMOSOME INSTABILITY WITHOUT IMMUNODEFICIENCY; NBS-LIKE DISORDER; RAD50 DEFICIENCY. Identifiers: Orphanet 240760, MedGen C2751318, MONDO:0013118, OMIM 613078.

Allele frequency attached by ClinVar (database versions not stated): TOPMed below 0.00001; gnomAD 0.00001; gnomAD exomes 0.00002 and 0.00005; ExAC 0.00010.
gnomAD v4.1: 28 of 1,610,900 alleles (0.0017%); highest among the groups gnomAD compares: Non-Finnish European, 0.0014%; no homozygotes.

Submissions (4):

Blueprint Genetics
Classification: Uncertain significance. Last evaluated: 2024-09-17. Review status: criteria provided, single submitter. Criteria: ACMG Guidelines, 2015. Collection method: clinical testing. Allele origin: germline.

Labcorp Genetics (formerly Invitae), Labcorp
Classification: Uncertain significance for Hereditary cancer-predisposing syndrome. Last evaluated: 2024-04-06. Review status: criteria provided, single submitter. Criteria: Invitae Variant Classification Sherloc (09022015). Collection method: clinical testing. Allele origin: germline.
Comment: This sequence change replaces glutamic acid, which is acidic and polar, with lysine, which is basic and polar, at codon 626 of the RAD50 protein (p.Glu626Lys). This variant is present in population databases (rs763432574, gnomAD 0.009%). This variant has not been reported in the literature in individuals affected with RAD50-related conditions. ClinVar contains an entry for this variant (Variation ID: 240220). Advanced modeling of protein sequence and biophysical properties (such as structural, functional, and spatial information, amino acid conservation, physicochemical variation, residue mobility, and thermodynamic stability) performed at Invitae indicates that this missense variant is not expected to disrupt RAD50 protein function with a negative predictive value of 80%. In summary, the available evidence is currently insufficient to determine the role of this variant in disease. Therefore, it has been classified as a Variant of Uncertain Significance.

Ambry Genetics
Classification: Uncertain significance for Hereditary cancer-predisposing syndrome. Last evaluated: 2022-11-26. Review status: criteria provided, single submitter. Criteria: Ambry Variant Classification Scheme 2023. Collection method: clinical testing. Allele origin: germline.
Comment: The p.E626K variant (also known as c.1876G>A), located in coding exon 12 of the RAD50 gene, results from a G to A substitution at nucleotide position 1876. The glutamic acid at codon 626 is replaced by lysine, an amino acid with similar properties. This amino acid position is highly conserved in available vertebrate species. In addition, the in silico prediction for this alteration is inconclusive. Since supporting evidence is limited at this time, the clinical significance of this alteration remains unclear.

Fulgent Genetics
Classification: Uncertain significance for Nijmegen breakage syndrome-like disorder. Last evaluated: 2018-10-31. Review status: criteria provided, single submitter. Criteria: ACMG Guidelines, 2015. Collection method: clinical testing. Allele origin: unknown.

NM_005732.4(RAD50):c.1876G>A (p.Glu626Lys)

Gene: RAD50 (RAD50 double strand break repair protein; plus strand). Cytogenetic location: 5q31.1.
Variant type: single nucleotide variant.
Coding change: c.1876G>A on transcript NM_005732.4 (MANE Select); coding-DNA position 1876, G replaced by A.
Protein change: p.Glu626Lys; replaces glutamic acid 626 with lysine.
Molecular consequence: missense variant.
Genome position (GRCh38, 1-based): chr5:132,594,951, G>A. VCF-style: chr5-132594951-G-A. GRCh37 (hg19) VCF-style: chr5-131930643-G-A.
Other names: short protein forms E626K.
Identifiers: ClinVar variation 240220 (VCV000240220.14), dbSNP rs763432574, ClinGen allele CA3405287.